The following is an entry in ClinVar:

ClinVar aggregate classification (germline): Likely pathogenic (1 of 4 stars; one submission).

Conditions:
Hepatic veno-occlusive disease-immunodeficiency syndrome. Also called: Hepatic Veno-Occlusive Disease with Immunodeficiency. Identifiers: Orphanet 79124, MedGen C1856128, MONDO:0009338, OMIM 235550. Disease mechanism: loss of function.

Allele frequency attached by ClinVar (database versions not stated): ExAC 0.00001.
gnomAD v4.1: 3 of 1,614,010 alleles (0.00019%); highest among the groups gnomAD compares: Admixed American, 0.005%; no homozygotes.

Submission:

Labcorp Genetics (formerly Invitae), Labcorp
Classification: Likely pathogenic for Hepatic veno-occlusive disease-immunodeficiency syndrome. Last evaluated: 2023-06-15. Review status: criteria provided, single submitter. Criteria: Invitae Variant Classification Sherloc (09022015). Collection method: clinical testing. Allele origin: germline.
Comment: In summary, the currently available evidence indicates that the variant is pathogenic, but additional data are needed to prove that conclusively. Therefore, this variant has been classified as Likely Pathogenic. Algorithms developed to predict the effect of sequence changes on RNA splicing suggest that this variant may disrupt the consensus splice site. This variant has not been reported in the literature in individuals affected with SP110-related conditions. This variant is present in population databases (rs764597996, gnomAD 0.009%). This sequence change affects an acceptor splice site in intron 10 of the SP110 gene. It is expected to disrupt RNA splicing. Variants that disrupt the donor or acceptor splice site typically lead to a loss of protein function (PMID: 16199547), and loss-of-function variants in SP110 are known to be pathogenic (PMID: 16648851, 22621957).

Literature cited by the submitters: PubMed 16199547; PubMed 16648851; PubMed 22621957.

NM_080424.4(SP110):c.1130-1G>C

Gene: SP110 (SP110 nuclear body protein; minus strand). Cytogenetic location: 2q37.1.
Variant type: single nucleotide variant.
Coding change: c.1130-1G>C on transcript NM_080424.4 (MANE Select); the canonical splice acceptor site of the intron before coding-DNA position 1130, G replaced by C.
Molecular consequence: splice acceptor variant.
Genome position (GRCh38, 1-based): chr2:230,186,144, C>G on the plus strand (G>C on the coding strand, the complement: SP110 is on the minus strand). VCF-style: chr2-230186144-C-G. GRCh37 (hg19) VCF-style: chr2-231050860-C-G.
Other names: c.1148-1G>C (NM_001378446.1, NM_001378445.1, NM_001378442.1 and 2 more transcripts); c.1130-1G>C (NM_004509.5, NM_001378443.1, NM_004510.4); c.980-1G>C (NM_001378447.1).
Identifiers: ClinVar variation 2800835 (VCV002800835.3), dbSNP rs764597996, ClinGen allele CA2154599.